The following is an entry in ClinVar:

NM_206933.4(USH2A):c.5953G>A (p.Glu1985Lys)

Gene: USH2A (usherin; minus strand). Cytogenetic location: 1q41.
Variant type: single nucleotide variant.
Coding change: c.5953G>A on transcript NM_206933.4 (MANE Select); coding-DNA position 5953, G replaced by A.
Protein change: p.Glu1985Lys; replaces glutamic acid 1985 with lysine.
Molecular consequence: missense variant.
Genome position (GRCh38, 1-based): chr1:216,070,197, C>T on the plus strand (G>A on the coding strand, the complement: USH2A is on the minus strand). VCF-style: chr1-216070197-C-T. GRCh37 (hg19) VCF-style: chr1-216243539-C-T.
Other names: short protein forms E1985K.
Identifiers: ClinVar variation 498725 (VCV000498725.16), dbSNP rs150143291, ClinGen allele CA1395291.
Genomic context (GRCh38, chr1:216,070,197, plus strand): 5'-CAGAGGGCATGCGGGGTGGACGGGTGCTGTCCTCACTATAGGCTTTCAGAATGTACTTCT[C>T]AATTACACCTCTGACAACAGGTTCATCCCAGGTCACCTCAATGCTGTATCCATTTAAGCT-3'
Protein context (NP_996816.3, residues 1975-1995): WDEPVVRGVI[Glu1985Lys]KYILKAYSED

ClinVar aggregate classification (germline): Uncertain significance. Review status: criteria provided, multiple submitters, no conflicts (2 of 4 stars). 10 submissions from 9 submitters: Uncertain significance (8). 2 of the submissions do not count toward it. Last evaluated 2024-10-24.

Conditions:
Retinitis pigmentosa 39 (RP39). Identifiers: Orphanet 791, MedGen C3151138, MONDO:0013436, OMIM 613809.
Usher syndrome type 2A. Also called: RETINAL DISEASE IN USHER SYNDROME TYPE IIA, MODIFIER OF; USHER SYNDROME, TYPE IIA. Identifiers: Orphanet 231178, Orphanet 886, MedGen C1848634, MONDO:0010169, OMIM 276901.
Retinal dystrophy. Also called: Inherited retinal dystrophy. Identifiers: Orphanet 71862, MedGen C0854723, MeSH D058499, MONDO:0019118, HP:0000556.

Allele frequency attached by ClinVar (database versions not stated): gnomAD 0.00001; gnomAD exomes 0.00002 and 0.00005; ExAC 0.00005; TOPMed 0.00006; ESP Exome Variant Server 0.00008.
gnomAD v4.1: 25 of 1,613,842 alleles (0.0015%); highest among the groups gnomAD compares: East Asian, 0.045%; no homozygotes.

Submissions (10):

Labcorp Genetics (formerly Invitae), Labcorp
Classification: Uncertain significance. Last evaluated: 2024-10-24. Review status: criteria provided, single submitter. Criteria: Invitae Variant Classification Sherloc (09022015). Collection method: clinical testing. Allele origin: germline.
Comment: This sequence change replaces glutamic acid, which is acidic and polar, with lysine, which is basic and polar, at codon 1985 of the USH2A protein (p.Glu1985Lys). This variant is present in population databases (rs150143291, gnomAD 0.07%). This missense change has been observed in individual(s) with inherited retinal dystrophies and/or retinitis pigmentosa (PMID: 25474345, 29625443, 30948794, 31213501, 32675063). ClinVar contains an entry for this variant (Variation ID: 498725). Invitae Evidence Modeling of protein sequence and biophysical properties (such as structural, functional, and spatial information, amino acid conservation, physicochemical variation, residue mobility, and thermodynamic stability) has been performed for this missense variant. However, the output from this modeling did not meet the statistical confidence thresholds required to predict the impact of this variant on USH2A protein function. In summary, the available evidence is currently insufficient to determine the role of this variant in disease. Therefore, it has been classified as a Variant of Uncertain Significance.

Blueprint Genetics
Classification: Uncertain significance. Last evaluated: 2024-02-07. Review status: criteria provided, single submitter. Criteria: ACMG Guidelines, 2015. Collection method: clinical testing. Allele origin: germline.

Genome-Nilou Lab
Classification: Uncertain significance for Retinitis pigmentosa 39. Last evaluated: 2023-11-04. Review status: criteria provided, single submitter. Criteria: ACMG Guidelines, 2015. Collection method: clinical testing. Allele origin: germline. Affected: no.

Genome-Nilou Lab
Classification: Uncertain significance for Usher syndrome type 2A. Last evaluated: 2023-11-04. Review status: criteria provided, single submitter. Criteria: ACMG Guidelines, 2015. Collection method: clinical testing. Allele origin: germline. Affected: no.

Dept Of Ophthalmology, Nagoya University
Classification: Uncertain significance for Retinal dystrophy. Last evaluated: 2023-10-01. Review status: criteria provided, single submitter. Criteria: Submitter's publication. Collection method: research. Allele origin: germline. Affected: yes.

Baylor Genetics
Classification: Uncertain significance for Retinitis pigmentosa 39. Last evaluated: 2022-03-10. Review status: criteria provided, single submitter. Criteria: ACMG Guidelines, 2015. Collection method: clinical testing. Allele origin: unknown.

Eurofins Ntd Llc (ga)
Classification: Uncertain significance. Last evaluated: 2017-12-04. Review status: criteria provided, single submitter. Criteria: EGL Classification Definitions 2015. Collection method: clinical testing. Allele origin: germline. Observed: 1 variant allele, 1 heterozygote.

Juno Genomics, Hangzhou Juno Genomics, Inc
Classification: Uncertain significance for Retinitis pigmentosa 39; Usher syndrome type 2A. Review status: criteria provided, single submitter. Criteria: ACMG Guidelines, 2015. Collection method: clinical testing. Allele origin: germline.
Comment: Multiple lines of computational evidence support a deleterious effect on the gene or gene product.

Natera, Inc.
Classification: Uncertain significance for Usher syndrome type 2A. Last evaluated: 2020-07-18. Review status: no assertion criteria provided. Collection method: clinical testing. Allele origin: germline. Not counted in ClinVar's aggregate classification.

Counsyl
Classification: Uncertain significance for Usher syndrome type 2A; Retinitis pigmentosa 39. Last evaluated: 2017-01-10. Review status: no assertion criteria provided. Collection method: clinical testing. Allele origin: unknown. Not counted in ClinVar's aggregate classification.

Literature cited by the submitters: PubMed 25474345 (cited by Labcorp Genetics (formerly Invitae), Labcorp and Eurofins Ntd Llc (ga)); PubMed 29625443 (cited by Labcorp Genetics (formerly Invitae), Labcorp); PubMed 30948794 (cited by Labcorp Genetics (formerly Invitae), Labcorp); PubMed 31213501 (cited by Labcorp Genetics (formerly Invitae), Labcorp); PubMed 32675063 (cited by Labcorp Genetics (formerly Invitae), Labcorp); PubMed 24938718 (cited by Eurofins Ntd Llc (ga)).